The following is an entry in ClinVar:

NM_032326.4(TMEM175):c.359T>A (p.Ile120Asn)

Gene: TMEM175 (transmembrane protein 175; plus strand). Cytogenetic location: 4p16.3.
Variant type: single nucleotide variant.
Coding change: c.359T>A on transcript NM_032326.4 (MANE Select); coding-DNA position 359, T replaced by A.
Protein change: p.Ile120Asn; replaces isoleucine 120 with asparagine.
Molecular consequence: missense variant.
Genome position (GRCh38, 1-based): chr4:951,698, T>A. VCF-style: chr4-951698-T-A. GRCh37 (hg19) VCF-style: chr4-945486-T-A.
Other names: c.113T>A, p.Ile38Asn (NM_001297423.2, NM_001297424.2, NM_001297425.2); c.11T>A, p.Ile4Asn (NM_001297426.2, NM_001297427.2, NM_001297428.2); short protein forms I120N, I38N, I4N.
Identifiers: ClinVar variation 3067590 (VCV003067590.21), dbSNP rs2533832237, ClinGen allele CA355925820.

ClinVar aggregate classification (germline): Uncertain significance (1 of 4 stars; one submission).

Allele frequency attached by ClinVar (database versions not stated): gnomAD exomes below 0.00001.
gnomAD v4.1: 3 of 1,614,030 alleles (0.00019%); highest among the groups gnomAD compares: Non-Finnish European, 0.00025%; no homozygotes.

Submission:

CeGaT Center for Human Genetics Tuebingen
Classification: Uncertain significance. Last evaluated: 2024-03-01. Review status: criteria provided, single submitter. Criteria: CeGaT Center For Human Genetics Tuebingen Variant Classification Criteria Version 2. Collection method: clinical testing. Allele origin: germline. Affected: yes. Observed: 1 variant allele.
Comment: TMEM175: PM2